The following is an entry in ClinVar:

NM_001035.3(RYR2):c.4642A>G (p.Thr1548Ala)

Gene: RYR2 (ryanodine receptor 2; plus strand). Cytogenetic location: 1q43.
Variant type: single nucleotide variant.
Coding change: c.4642A>G on transcript NM_001035.3 (MANE Select); coding-DNA position 4642, A replaced by G.
Protein change: p.Thr1548Ala; replaces threonine 1548 with alanine.
Molecular consequence: missense variant.
Genome position (GRCh38, 1-based): chr1:237,602,070, A>G. VCF-style: chr1-237602070-A-G. GRCh37 (hg19) VCF-style: chr1-237765370-A-G.
Other names: short protein forms T1548A.
Identifiers: ClinVar variation 4739691 (VCV004739691.1).

ClinVar aggregate classification (germline): Uncertain significance (1 of 4 stars; one submission).

Conditions:
Catecholaminergic polymorphic ventricular tachycardia 1. Also called: VENTRICULAR TACHYCARDIA, CATECHOLAMINERGIC POLYMORPHIC, 1, WITH OR WITHOUT ATRIAL DYSFUNCTION AND/OR DILATED CARDIOMYOPATHY; RYR2-Related Catecholaminergic Polymorphic Ventricular Tachycardia; VENTRICULAR TACHYCARDIA, STRESS-INDUCED POLYMORPHIC 1. Identifiers: Orphanet 3286, MedGen C1631597, MONDO:0011484, OMIM 604772.

gnomAD v4.1: 1 of 1,613,208 alleles (0.000062%); highest among the groups gnomAD compares: Non-Finnish European, 0.000085%; no homozygotes.

Submission:

Labcorp Genetics (formerly Invitae), Labcorp
Classification: Uncertain significance for Catecholaminergic polymorphic ventricular tachycardia 1. Last evaluated: 2025-04-27. Review status: criteria provided, single submitter. Criteria: Invitae Variant Classification Sherloc (09022015). Collection method: clinical testing. Allele origin: germline.
Comment: This sequence change replaces threonine, which is neutral and polar, with alanine, which is neutral and non-polar, at codon 1548 of the RYR2 protein (p.Thr1548Ala). This variant is not present in population databases (gnomAD no frequency). This variant has not been reported in the literature in individuals affected with RYR2-related conditions. Invitae Evidence Modeling of protein sequence and biophysical properties (such as structural, functional, and spatial information, amino acid conservation, physicochemical variation, residue mobility, and thermodynamic stability) indicates that this missense variant is expected to disrupt RYR2 protein function with a positive predictive value of 95%. In summary, the available evidence is currently insufficient to determine the role of this variant in disease. Therefore, it has been classified as a Variant of Uncertain Significance.